The following is an entry in ClinVar:

NM_001369369.1(FOXN1):c.517C>T (p.Pro173Ser)

Gene: FOXN1 (forkhead box N1; plus strand). Cytogenetic location: 17q11.2.
Variant type: single nucleotide variant.
Coding change: c.517C>T on transcript NM_001369369.1 (MANE Select); coding-DNA position 517, C replaced by T.
Protein change: p.Pro173Ser; replaces proline 173 with serine.
Molecular consequence: missense variant.
Genome position (GRCh38, 1-based): chr17:28,524,896, C>T. VCF-style: chr17-28524896-C-T. GRCh37 (hg19) VCF-style: chr17-26851914-C-T.
Other names: c.517C>T, p.Pro173Ser (NM_003593.3); short protein forms P173S.
Identifiers: ClinVar variation 843823 (VCV000843823.5), dbSNP rs2069731006, ClinGen allele CA398321955.

ClinVar aggregate classification (germline): Uncertain significance. Review status: criteria provided, multiple submitters, no conflicts (2 of 4 stars). 2 submissions from 2 submitters: Uncertain significance (2). Last evaluated 2024-04-29.

Conditions:
T-cell immunodeficiency, congenital alopecia, and nail dystrophy. Also called: Congenital alopecia and nail dystrophy associated with severe functional T-cell immunodeficiency; Pignata Guarino syndrome. Identifiers: Orphanet 169095, MedGen C1866426, MONDO:0011132, OMIM 601705.

Submissions (2):

Women's Health and Genetics/Laboratory Corporation of America, LabCorp
Classification: Uncertain significance. Last evaluated: 2024-04-29. Review status: criteria provided, single submitter. Criteria: LabCorp Variant Classification Summary - May 2015. Collection method: clinical testing. Allele origin: germline.

Labcorp Genetics (formerly Invitae), Labcorp
Classification: Uncertain significance for T-cell immunodeficiency, congenital alopecia, and nail dystrophy. Last evaluated: 2022-01-17. Review status: criteria provided, single submitter. Criteria: Invitae Variant Classification Sherloc (09022015). Collection method: clinical testing. Allele origin: germline.
Comment: This sequence change replaces proline, which is neutral and non-polar, with serine, which is neutral and polar, at codon 173 of the FOXN1 protein (p.Pro173Ser). This variant is not present in population databases (gnomAD no frequency). This variant has not been reported in the literature in individuals affected with FOXN1-related conditions. ClinVar contains an entry for this variant (Variation ID: 843823). Algorithms developed to predict the effect of missense changes on protein structure and function are either unavailable or do not agree on the potential impact of this missense change (SIFT: "Tolerated"; PolyPhen-2: "Probably Damaging"; Align-GVGD: "Class C0"). In summary, the available evidence is currently insufficient to determine the role of this variant in disease. Therefore, it has been classified as a Variant of Uncertain Significance.